The following is an entry in ClinVar:

NM_001170629.2(CHD8):c.4628C>G (p.Thr1543Ser)

Gene: CHD8 (chromodomain helicase DNA binding protein 8; minus strand). Cytogenetic location: 14q11.2.
Variant type: single nucleotide variant.
Coding change: c.4628C>G on transcript NM_001170629.2 (MANE Select); coding-DNA position 4628, C replaced by G.
Protein change: p.Thr1543Ser; replaces threonine 1543 with serine.
Molecular consequence: missense variant.
Genome position (GRCh38, 1-based): chr14:21,400,250, G>C on the plus strand (C>G on the coding strand, the complement: CHD8 is on the minus strand). VCF-style: chr14-21400250-G-C. GRCh37 (hg19) VCF-style: chr14-21868409-G-C.
Other names: c.3791C>G, p.Thr1264Ser (NM_020920.4); short protein forms T1264S, T1543S.
Identifiers: ClinVar variation 3366264 (VCV003366264.1).

ClinVar aggregate classification (germline): Uncertain significance (1 of 4 stars; one submission).

Submission:

GeneDx
Classification: Uncertain significance. Last evaluated: 2023-10-19. Review status: criteria provided, single submitter. Criteria: GeneDx Variant Classification Process June 2021. Collection method: clinical testing. Allele origin: germline. Affected: yes.
Comment: Not observed at significant frequency in large population cohorts (gnomAD); In silico analysis supports that this missense variant does not alter protein structure/function; Has not been previously published as pathogenic or benign to our knowledge